The following is an entry in ClinVar:

ClinVar aggregate classification (germline): Benign/Likely benign. Review status: criteria provided, multiple submitters, no conflicts (2 of 4 stars). 5 submissions from 5 submitters: Benign (1); Likely benign (3). 1 of the submissions does not count toward it. Last evaluated 2025-11-28.

Conditions:
Inborn genetic diseases. Identifiers: MedGen C0950123, MeSH D030342.
SH2B3-related disorder. Also called: SH2B3-related condition.

Allele frequency attached by ClinVar (database versions not stated): gnomAD exomes 0.00016 and 0.00046; ExAC 0.00065; 1000 Genomes Project 0.00100; 1000 Genomes Project 30x 0.00109; gnomAD 0.00197 and 0.00210; TOPMed 0.00207; ESP Exome Variant Server 0.00246.
gnomAD v4.1: 526 of 1,582,514 alleles (0.033%); highest among the groups gnomAD compares: African/African-American, 0.65%; 1 homozygote.

Submissions (5):

PreventionGenetics, part of Exact Sciences
Classification: Likely benign for SH2B3-related condition. Last evaluated: 2025-11-28. Review status: criteria provided, single submitter. Criteria: ACMG Guidelines, 2015. Collection method: clinical testing. Allele origin: germline.
Comment: This variant is classified as likely benign based on ACMG/AMP sequence variant interpretation guidelines (Richards et al. 2015 PMID: 25741868, with internal and published modifications).

Mayo Clinic Laboratories, Mayo Clinic
Classification: Likely benign. Last evaluated: 2025-08-12. Review status: criteria provided, single submitter. Criteria: ACMG Guidelines, 2015. Collection method: clinical testing. Allele origin: germline. Observed: 1 variant allele.
Comment: BP4, BP7

Ambry Genetics
Classification: Likely benign for Inborn genetic diseases. Last evaluated: 2024-10-05. Review status: criteria provided, single submitter. Criteria: Ambry Variant Classification Scheme 2023. Collection method: clinical testing. Allele origin: germline.

Labcorp Genetics (formerly Invitae), Labcorp
Classification: Benign. Last evaluated: 2018-10-17. Review status: criteria provided, single submitter. Criteria: Invitae Variant Classification Sherloc (09022015). Collection method: clinical testing. Allele origin: germline.

Genetic Services Laboratory, University of Chicago
Classification: Benign. Last evaluated: 2022-09-23. Review status: no assertion criteria provided. Collection method: clinical testing. Allele origin: germline. Affected: no. Not counted in ClinVar's aggregate classification.

NM_005475.3(SH2B3):c.795G>A (p.Arg265=)

Gene: SH2B3 (SH2B adaptor protein 3; plus strand). Cytogenetic location: 12q24.12.
Variant type: single nucleotide variant.
Coding change: c.795G>A on transcript NM_005475.3 (MANE Select); coding-DNA position 795, G replaced by A.
Protein change: p.Arg265=; no amino-acid change (arginine 265 retained).
Molecular consequence: synonymous variant.
Genome position (GRCh38, 1-based): chr12:111,446,815, G>A. VCF-style: chr12-111446815-G-A. GRCh37 (hg19) VCF-style: chr12-111884619-G-A.
Other names: p.Arg63=; c.189G>A, p.Arg63= (NM_001291424.1).
Identifiers: ClinVar variation 733920 (VCV000733920.8), dbSNP rs143256866, ClinGen allele CA6789736.